The following is an entry in ClinVar:

NM_006393.3(NEBL):c.1228-7C>T

Gene: NEBL (nebulette; minus strand). Cytogenetic location: 10p12.31.
Variant type: single nucleotide variant.
Coding change: c.1228-7C>T on transcript NM_006393.3 (MANE Select); 7 bases into the intron before coding-DNA position 1228, C replaced by T.
Molecular consequence: intron variant.
Genome position (GRCh38, 1-based): chr10:20,840,856, G>A on the plus strand (C>T on the coding strand, the complement: NEBL is on the minus strand). VCF-style: chr10-20840856-G-A. GRCh37 (hg19) VCF-style: chr10-21129785-G-A.
Other names: c.250-27916C>T (NM_001377326.1, NM_001377327.1, NM_001377328.1); c.358-27916C>T (NM_213569.2, NM_001173484.2, NM_001377322.1); c.301-27916C>T (NM_001377324.1); c.292-27916C>T (NM_001377325.1); c.310-27916C>T (NM_001377323.1).
Identifiers: ClinVar variation 164755 (VCV000164755.5), dbSNP rs200231082, ClinGen allele CA177440.

ClinVar aggregate classification (germline): Likely benign (1 of 4 stars; one submission).

Allele frequency attached by ClinVar (database versions not stated): gnomAD 0.00001 and 0.00002; TOPMed 0.00002; gnomAD exomes 0.00004 and 0.00009; ExAC 0.00015; 1000 Genomes Project 30x 0.00016; 1000 Genomes Project 0.00020.
gnomAD v4.1: 58 of 1,469,764 alleles (0.0039%); highest among the groups gnomAD compares: East Asian, 0.13%; no homozygotes.

Submission:

Laboratory for Molecular Medicine, Mass General Brigham Personalized Medicine
Classification: Likely benign. Last evaluated: 2014-10-02. Review status: criteria provided, single submitter. Criteria: LMM Criteria. Collection method: clinical testing. Allele origin: germline. Observed: 2 variant alleles.
Comment: c.1228-7C>T in intron 12 of NEBL: This variant is not expected to have clinical significance because a C>T change at this position does not diverge from the spl ice consensus sequence and is therefore unlikely to impact splicing. In addition , it has been identified in 1/194 Han Chinese chromosomes by the 1000 Genomes Pr oject (dbSNP rs200231082).